The following is an entry in ClinVar:

NM_012431.3(SEMA3E):c.1826C>G (p.Ala609Gly)

Gene: SEMA3E (semaphorin 3E; minus strand). Cytogenetic location: 7q21.11.
Variant type: single nucleotide variant.
Coding change: c.1826C>G on transcript NM_012431.3 (MANE Select); coding-DNA position 1826, C replaced by G.
Protein change: p.Ala609Gly; replaces alanine 609 with glycine.
Molecular consequence: missense variant.
Genome position (GRCh38, 1-based): chr7:83,385,343, G>C on the plus strand (C>G on the coding strand, the complement: SEMA3E is on the minus strand). VCF-style: chr7-83385343-G-C. GRCh37 (hg19) VCF-style: chr7-83014659-G-C.
Other names: c.1646C>G, p.Ala549Gly (NM_001178129.2); short protein forms A609G, A549G.
Identifiers: ClinVar variation 1472116 (VCV001472116.6), dbSNP rs778141353, ClinGen allele CA367921770.

ClinVar aggregate classification (germline): Uncertain significance (1 of 4 stars; one submission).

Conditions:
CHARGE syndrome (CHARGE). Also called: Coloboma, heart anomaly, choanal atresia, retardation, genital and ear anomalies; CHARGE association; Hall-Hittner syndrome; Hittner Hirsch Kreh syndrome; CHARGE ASSOCIATION--COLOBOMA, HEART ANOMALY, CHOANAL ATRESIA, RETARDATION, GENITAL AND EAR ANOMALIES. Identifiers: Orphanet 138, MedGen C0265354, MONDO:0008965.

Submission:

Labcorp Genetics (formerly Invitae), Labcorp
Classification: Uncertain significance for CHARGE syndrome. Last evaluated: 2022-08-16. Review status: criteria provided, single submitter. Criteria: Invitae Variant Classification Sherloc (09022015). Collection method: clinical testing. Allele origin: germline.
Comment: In summary, the available evidence is currently insufficient to determine the role of this variant in disease. Therefore, it has been classified as a Variant of Uncertain Significance. Algorithms developed to predict the effect of missense changes on protein structure and function are either unavailable or do not agree on the potential impact of this missense change (SIFT: "Deleterious"; PolyPhen-2: "Possibly Damaging"; Align-GVGD: "Class C0"). This variant has not been reported in the literature in individuals affected with SEMA3E-related conditions. This variant is not present in population databases (gnomAD no frequency). This sequence change replaces alanine, which is neutral and non-polar, with glycine, which is neutral and non-polar, at codon 609 of the SEMA3E protein (p.Ala609Gly).